The following is an entry in ClinVar:

NM_004715.5(CTDP1):c.1190G>A (p.Arg397His)

Gene: CTDP1 (CTD phosphatase 1; plus strand). Cytogenetic location: 18q23.
Variant type: single nucleotide variant.
Coding change: c.1190G>A on transcript NM_004715.5 (MANE Select); coding-DNA position 1190, G replaced by A.
Protein change: p.Arg397His; replaces arginine 397 with histidine.
Molecular consequence: missense variant.
Genome position (GRCh38, 1-based): chr18:79,714,650, G>A. VCF-style: chr18-79714650-G-A. GRCh37 (hg19) VCF-style: chr18-77474650-G-A.
Other names: p.Arg397His; c.833G>A, p.Arg278His (NM_001202504.1); c.1190G>A, p.Arg397His (NM_001318511.2, NM_048368.4); short protein forms R397H, R278H.
Identifiers: ClinVar variation 4542274 (VCV004542274.3).

ClinVar aggregate classification (germline): Uncertain significance. Review status: criteria provided, multiple submitters, no conflicts (2 of 4 stars). 2 submissions from 2 submitters: Uncertain significance (2). Last evaluated 2025-11-25.

Conditions:
Congenital cataracts-facial dysmorphism-neuropathy syndrome (CCFDN). Also called: CATARACT, CONGENITAL, WITH FACIAL DYSMORPHISM AND NEUROPATHY; CTDP1-Related Congenital Cataracts, Facial Dysmorphism, and Neuropathy. Identifiers: Orphanet 48431, MedGen C1858726, MONDO:0011402, OMIM 604168.

gnomAD v4.1: 40 of 1,611,888 alleles (0.0025%); highest among the groups gnomAD compares: East Asian, 0.04%; no homozygotes.

Submissions (2):

Dasa
Classification: Uncertain significance for Congenital cataracts-facial dysmorphism-neuropathy syndrome. Last evaluated: 2025-11-25. Review status: criteria provided, single submitter. Criteria: DASA Assertion Criteria. Collection method: clinical testing. Allele origin: germline.
Comment: NM_004715.5(CTDP1):c.1190G>A (p.Arg397His) is a missense variant that results in the substitution of arginine with histidine. This variant is rare in population databases. Computational prediction algorithms are consistent with a benign effect. The currently available literature and clinical evidence are not sufficient to establish a definitive association between this variant and the reported condition. Therefore, this variant is classified as a variant of uncertain significance.

Mayo Clinic Laboratories, Mayo Clinic
Classification: Uncertain significance. Last evaluated: 2025-08-14. Review status: criteria provided, single submitter. Criteria: ACMG Guidelines, 2015. Collection method: clinical testing. Allele origin: germline. Observed: 1 variant allele.
Comment: BP4_moderate